The following is an entry in ClinVar:

NC_000002.11:g.(179558736_179559325)_(179561896_179563569)del

Gene: TTN (titin; minus strand). Cytogenetic location: 2q31.2.
Variant type: Deletion.
Identifiers: ClinVar variation 3629852 (VCV003629852.1).

ClinVar aggregate classification (germline): Uncertain significance (1 of 4 stars; one submission).

Submission:

Women's Health and Genetics/Laboratory Corporation of America, LabCorp
Classification: Uncertain significance. Last evaluated: 2024-11-04. Review status: criteria provided, single submitter. Criteria: LabCorp Variant Classification Summary - May 2015. Collection method: clinical testing. Allele origin: germline.
Comment: Variant summary: The variant involves the deletion of exons 110-114 in the TTN gene (NM_133378). A presumed nomenclature of c.(27022+1_27023-1)_(27694+1_27695-1)del has been designated for the purposes of this classification. This Copy Number Variant (CNV) is predicted to result in an in-frame deletion within this gene. The frequency data for this variant in gnomAD is considered unreliable, as metrics indicate poor data quality at this position. To our knowledge, no occurrence of c.(27022+1_27023-1)_(27694+1_27695-1)del in individuals affected with TTN-related conditions and no experimental evidence demonstrating its impact on protein function have been reported. No submitters have cited clinical-significance assessments for this variant to ClinVar. Based on the evidence outlined above, the variant was classified as uncertain significance.